The following is an entry in ClinVar:

NM_198576.4(AGRN):c.4051G>A (p.Gly1351Arg)

Gene: AGRN (agrin; plus strand). Cytogenetic location: 1p36.33.
Variant type: single nucleotide variant.
Coding change: c.4051G>A on transcript NM_198576.4 (MANE Select); coding-DNA position 4051, G replaced by A.
Protein change: p.Gly1351Arg; replaces glycine 1351 with arginine.
Molecular consequence: missense variant.
Genome position (GRCh38, 1-based): chr1:1,048,311, G>A. VCF-style: chr1-1048311-G-A. GRCh37 (hg19) VCF-style: chr1-983691-G-A.
Other names: c.4051G>A (NM_198576.3); c.4051G>A, p.Gly1351Arg (NM_001305275.2); c.3736G>A, p.Gly1246Arg (NM_001364727.2); short protein forms G1246R, G1351R.
Identifiers: ClinVar variation 1496018 (VCV001496018.6), dbSNP rs867208955, ClinGen allele CA16760401.
Genomic context (GRCh38, chr1:1,048,311, plus strand): 5'-AAGCCCTGTGACTCACAGCCCTGCTTCCACGGGGGGACCTGCCAGGACTGGGCATTGGGC[G>A]GGGGCTTCACCTGCAGCTGCCCGGCAGGCAGGGGAGGCGCCGTCTGTGAGAAGGGTAAGG-3'
Protein context (NP_940978.2, residues 1341-1361): GGTCQDWALG[Gly1351Arg]GFTCSCPAGR

ClinVar aggregate classification (germline): Uncertain significance. Review status: criteria provided, multiple submitters, no conflicts (2 of 4 stars). 3 submissions from 3 submitters: Uncertain significance (3). Last evaluated 2025-05-15.

Conditions:
Congenital myasthenic syndrome 8. Also called: MYASTHENIC SYNDROME, CONGENITAL, DUE TO AGRIN DEFICIENCY; Myasthenic syndrome, congenital, 8, with pre- and postsynaptic defects. Identifiers: Orphanet 590, MedGen C3808739, MONDO:0014052, OMIM 615120.
Inborn genetic diseases. Identifiers: MedGen C0950123, MeSH D030342.

Allele frequency attached by ClinVar (database versions not stated): gnomAD exomes 0.00001 and 0.00003; TOPMed 0.00005.
gnomAD v4.1: 20 of 1,492,898 alleles (0.0013%); highest among the groups gnomAD compares: Admixed American, 0.011%; no homozygotes.

Submissions (3):

Revvity Omics, Revvity
Classification: Uncertain significance for Congenital myasthenic syndrome 8. Last evaluated: 2025-05-15. Review status: criteria provided, single submitter. Criteria: ACMG Guidelines, 2015. Collection method: clinical testing. Allele origin: germline.

Labcorp Genetics (formerly Invitae), Labcorp
Classification: Uncertain significance for Congenital myasthenic syndrome 8. Last evaluated: 2024-10-28. Review status: criteria provided, single submitter. Criteria: Invitae Variant Classification Sherloc (09022015). Collection method: clinical testing. Allele origin: germline.
Comment: This sequence change replaces glycine, which is neutral and non-polar, with arginine, which is basic and polar, at codon 1351 of the AGRN protein (p.Gly1351Arg). The frequency data for this variant in the population databases is considered unreliable, as metrics indicate poor data quality at this position in the gnomAD database. This variant has not been reported in the literature in individuals affected with AGRN-related conditions. ClinVar contains an entry for this variant (Variation ID: 1496018). An algorithm developed to predict the effect of missense changes on protein structure and function outputs the following: PolyPhen-2: "Benign". The arginine amino acid residue is found in multiple mammalian species, which suggests that this missense change does not adversely affect protein function. In summary, the available evidence is currently insufficient to determine the role of this variant in disease. Therefore, it has been classified as a Variant of Uncertain Significance.

Ambry Genetics
Classification: Uncertain significance for Inborn genetic diseases. Last evaluated: 2022-11-17. Review status: criteria provided, single submitter. Criteria: Ambry Variant Classification Scheme 2023. Collection method: clinical testing. Allele origin: germline.